The following is an entry in ClinVar:

NM_005732.4(RAD50):c.2766C>G (p.Phe922Leu)

Gene: RAD50 (RAD50 double strand break repair protein; plus strand). Cytogenetic location: 5q31.1.
Variant type: single nucleotide variant.
Coding change: c.2766C>G on transcript NM_005732.4 (MANE Select); coding-DNA position 2766, C replaced by G.
Protein change: p.Phe922Leu; replaces phenylalanine 922 with leucine.
Molecular consequence: missense variant.
Genome position (GRCh38, 1-based): chr5:132,608,662, C>G. VCF-style: chr5-132608662-C-G. GRCh37 (hg19) VCF-style: chr5-131944354-C-G.
Other names: short protein forms F922L.
Identifiers: ClinVar variation 835315 (VCV000835315.13), dbSNP rs1751028063, ClinGen allele CA360958855.

ClinVar aggregate classification (germline): Uncertain significance. Review status: criteria provided, multiple submitters, no conflicts (2 of 4 stars). 2 submissions from 2 submitters: Uncertain significance (2). Last evaluated 2025-12-10.

Conditions:
Hereditary cancer-predisposing syndrome. Also called: Hereditary neoplastic syndrome; Neoplastic Syndromes, Hereditary; Tumor predisposition; Hereditary Cancer Syndrome. Identifiers: Orphanet 140162, MedGen C0027672, MeSH D009386, MONDO:0015356.

Submissions (2):

Ambry Genetics
Classification: Uncertain significance for Hereditary cancer-predisposing syndrome. Last evaluated: 2025-12-10. Review status: criteria provided, single submitter. Criteria: Ambry Variant Classification Scheme 2023. Collection method: clinical testing. Allele origin: germline.
Comment: The p.F922L variant (also known as c.2766C>G), located in coding exon 17 of the RAD50 gene, results from a C to G substitution at nucleotide position 2766. The phenylalanine at codon 922 is replaced by leucine, an amino acid with highly similar properties. This amino acid position is conserved. In addition, this alteration is predicted to be tolerated by in silico analysis. Since supporting evidence is limited at this time, the clinical significance of this alteration remains unclear.

Labcorp Genetics (formerly Invitae), Labcorp
Classification: Uncertain significance for Hereditary cancer-predisposing syndrome. Last evaluated: 2019-01-25. Review status: criteria provided, single submitter. Criteria: Invitae Variant Classification Sherloc (09022015). Collection method: clinical testing. Allele origin: germline.
Comment: In summary, the available evidence is currently insufficient to determine the role of this variant in disease. Therefore, it has been classified as a Variant of Uncertain Significance. Algorithms developed to predict the effect of missense changes on protein structure and function output the following: SIFT: "Tolerated"; PolyPhen-2: "Benign"; Align-GVGD: "Class C0". The leucine amino acid residue is found in multiple mammalian species, suggesting that this missense change does not adversely affect protein function. These predictions have not been confirmed by published functional studies and their clinical significance is uncertain. This variant has not been reported in the literature in individuals with RAD50-related conditions. This variant is not present in population databases (ExAC no frequency). This sequence change replaces phenylalanine with leucine at codon 922 of the RAD50 protein (p.Phe922Leu). The phenylalanine residue is weakly conserved and there is a small physicochemical difference between phenylalanine and leucine.